The following is an entry in ClinVar:

ClinVar aggregate classification (germline): Uncertain significance (1 of 4 stars; one submission).

Conditions:
Melanoma, cutaneous malignant, susceptibility to, 5. Also called: Cutaneous malignant melanoma 5. Identifiers: Orphanet 618, MedGen C2751295, MONDO:0013133, OMIM 613099.

Submission:

Labcorp Genetics (formerly Invitae), Labcorp
Classification: Uncertain significance for Melanoma, cutaneous malignant, susceptibility to, 5. Last evaluated: 2023-02-02. Review status: criteria provided, single submitter. Criteria: Invitae Variant Classification Sherloc (09022015). Collection method: clinical testing. Allele origin: germline.
Comment: In summary, the available evidence is currently insufficient to determine the role of this variant in disease. Therefore, it has been classified as a Variant of Uncertain Significance. Advanced modeling of protein sequence and biophysical properties (such as structural, functional, and spatial information, amino acid conservation, physicochemical variation, residue mobility, and thermodynamic stability) performed at Invitae indicates that this missense variant is not expected to disrupt MC1R protein function. This variant has not been reported in the literature in individuals affected with MC1R-related conditions. This variant is not present in population databases (gnomAD no frequency). This sequence change replaces phenylalanine, which is neutral and non-polar, with valine, which is neutral and non-polar, at codon 251 of the MC1R protein (p.Phe251Val).

NM_002386.4(MC1R):c.751T>G (p.Phe251Val)

Gene: MC1R (melanocortin 1 receptor; plus strand). Cytogenetic location: 16q24.3.
Variant type: single nucleotide variant.
Coding change: c.751T>G on transcript NM_002386.4 (MANE Select); coding-DNA position 751, T replaced by G.
Protein change: p.Phe251Val; replaces phenylalanine 251 with valine.
Molecular consequence: missense variant.
Genome position (GRCh38, 1-based): chr16:89,920,009, T>G. VCF-style: chr16-89920009-T-G. GRCh37 (hg19) VCF-style: chr16-89986417-T-G.
Other names: short protein forms F251V.
Identifiers: ClinVar variation 2833846 (VCV002833846.3), dbSNP rs2544610324, ClinGen allele CA397463125.